The following is an entry in ClinVar:

ClinVar aggregate classification (germline): Pathogenic (1 of 4 stars; one submission).

Submission:

GeneDx
Classification: Pathogenic. Last evaluated: 2017-02-07. Review status: criteria provided, single submitter. Criteria: GeneDx Variant Classification (06012015). Collection method: clinical testing. Allele origin: germline. Affected: yes.
Comment: The c.3843dupC variant in the ARID1B gene has not been reported previously as a pathogenic variant nor as a benign variant, to our knowledge. The c.3843dupC variant causes a frameshift starting with codon Phenylalanine 1282, changes this amino acid to a Leucine residue, and creates a premature Stop codon at position 39 of the new reading frame, denoted p.Phe1282LeufsX39. This variant is predicted to cause loss of normal protein function either through protein truncation or nonsense-mediated mRNA decay. The c.3843dupC variant is not observed in large population cohorts (Lek et al., 2016; 1000 Genomes Consortium et al., 2015; Exome Variant Server). We interpret c.3843dupC as a pathogenic variant.

NM_001374828.1(ARID1B):c.4212dup (p.Phe1405fs)

Gene: ARID1B (AT-rich interaction domain 1B; plus strand). Cytogenetic location: 6q25.3.
Variant type: Duplication.
Coding change: c.4212dup on transcript NM_001374828.1 (MANE Select); coding-DNA position 4212, one base duplicated (C; older notation c.4212dupC).
Protein change: p.Phe1405fs; shifts the reading frame from phenylalanine 1405.
Molecular consequence: frameshift variant.
Genome position (GRCh38, 1-based): chr6:157,190,191, C duplicated; the last of 4 consecutive C bases (chr6:157,190,188-157,190,191); duplicating any one gives the same sequence. VCF-style (leftmost placement, unchanged base first): chr6-157190187-A-AC. GRCh37 (hg19) VCF-style: chr6-157511321-A-AC.
Other names: c.3843dupC (NM_020732.3); c.1713dup, p.Phe572fs (NM_001363725.2); c.4092dup, p.Phe1365fs (NM_001371656.1, NM_001374820.1); c.4053dup, p.Phe1352fs (NM_017519.3); short protein forms F572fs, F1352fs, F1365fs, F1405fs.
Identifiers: ClinVar variation 423421 (VCV000423421.2), dbSNP rs1554233166, ClinGen allele CA16618264.